The following is an entry in ClinVar:

NM_001126108.2(SLC12A3):c.2276del (p.Gly759fs)

Gene: SLC12A3 (solute carrier family 12 member 3; plus strand). Cytogenetic location: 16q13.
Variant type: Deletion.
Coding change: c.2276del on transcript NM_001126108.2 (MANE Select); coding-DNA position 2276, one base deleted (G; older notation c.2276delG).
Protein change: p.Gly759fs; shifts the reading frame from glycine 759.
Molecular consequence: frameshift variant.
Genome position (GRCh38, 1-based): chr16:56,888,022, G deleted; the last of 2 consecutive G bases (chr16:56,888,021-56,888,022); deleting either gives the same sequence. VCF-style (leftmost placement, unchanged base first): chr16-56888020-TG-T. GRCh37 (hg19) VCF-style: chr16-56921932-TG-T.
Other names: c.2276del, p.Gly759fs (NM_000339.3); c.2273del, p.Gly758fs (NM_001126107.2); short protein forms G758fs, G759fs.
Identifiers: ClinVar variation 3005130 (VCV003005130.3), dbSNP rs1182653117, ClinGen allele CA622339033.
Genomic context (GRCh38, chr16:56,888,020, plus strand): 5'-GGTGGTTGGGTTCAAGAAGAACTGGCAGTCGGCTCACCCGGCCACAGTGGAAGACTACAT[TG>T]GCATCCTCCAGTGAGTCGGGGGAGAGGAAGGGGCTTGGGGTCTGTTAATTTGGGCCCATT-3'

ClinVar aggregate classification (germline): Pathogenic (1 of 4 stars; one submission).

Submission:

Labcorp Genetics (formerly Invitae), Labcorp
Classification: Pathogenic. Last evaluated: 2023-04-22. Review status: criteria provided, single submitter. Criteria: Invitae Variant Classification Sherloc (09022015). Collection method: clinical testing. Allele origin: germline.
Comment: This sequence change creates a premature translational stop signal (p.Gly759Alafs*16) in the SLC12A3 gene. It is expected to result in an absent or disrupted protein product. Loss-of-function variants in SLC12A3 are known to be pathogenic (PMID: 20848653, 22009145, 25841442). This variant is present in population databases (no rsID available, gnomAD 0.003%). This variant has not been reported in the literature in individuals affected with SLC12A3-related conditions. For these reasons, this variant has been classified as Pathogenic.

Literature cited by the submitters: PubMed 20848653; PubMed 22009145; PubMed 25841442.